The following is an entry in ClinVar:

ClinVar aggregate classification (germline): Uncertain significance (1 of 4 stars; one submission).

Conditions:
Pitt-Hopkins-like syndrome 2 (PTHSL2). Identifiers: Orphanet 221150, Orphanet 600663, MedGen C3280479, MONDO:0013690, OMIM 614325.

Allele frequency attached by ClinVar (database versions not stated): gnomAD exomes 0.00001.
gnomAD v4.1: 8 of 1,614,228 alleles (0.0005%); highest among the groups gnomAD compares: Non-Finnish European, 0.00068%; no homozygotes.

Submission:

Labcorp Genetics (formerly Invitae), Labcorp
Classification: Uncertain significance for Pitt-Hopkins-like syndrome 2. Last evaluated: 2025-08-21. Review status: criteria provided, single submitter. Criteria: Invitae Variant Classification Sherloc (09022015). Collection method: clinical testing. Allele origin: germline.
Comment: This sequence change replaces threonine, which is neutral and polar, with serine, which is neutral and polar, at codon 1258 of the NRXN1 protein (p.Thr1258Ser). This variant is not present in population databases (gnomAD no frequency). This variant has not been reported in the literature in individuals affected with NRXN1-related conditions. ClinVar contains an entry for this variant (Variation ID: 1714259). Invitae Evidence Modeling of protein sequence and biophysical properties (such as structural, functional, and spatial information, amino acid conservation, physicochemical variation, residue mobility, and thermodynamic stability) indicates that this missense variant is not expected to disrupt NRXN1 protein function with a negative predictive value of 80%. In summary, the available evidence is currently insufficient to determine the role of this variant in disease. Therefore, it has been classified as a Variant of Uncertain Significance.

NM_001330078.2(NRXN1):c.3652A>T (p.Thr1218Ser)

Gene: NRXN1 (neurexin 1; minus strand). Cytogenetic location: 2p16.3.
Variant type: single nucleotide variant.
Coding change: c.3652A>T on transcript NM_001330078.2 (MANE Select); coding-DNA position 3652, A replaced by T.
Protein change: p.Thr1218Ser; replaces threonine 1218 with serine.
Molecular consequence: missense variant.
Genome position (GRCh38, 1-based): chr2:50,091,389, T>A on the plus strand (A>T on the coding strand, the complement: NRXN1 is on the minus strand). VCF-style: chr2-50091389-T-A. GRCh37 (hg19) VCF-style: chr2-50318527-T-A.
Other names: c.3772A>T, p.Thr1258Ser (NM_001135659.3); c.3628A>T, p.Thr1210Ser (NM_001330077.2, NM_001330082.2); c.3586A>T, p.Thr1196Ser (NM_001330083.2, NM_001330084.2); c.3625A>T, p.Thr1209Ser (NM_001330085.2); c.3652A>T, p.Thr1218Ser (NM_001330086.2, NM_004801.6); c.3541A>T, p.Thr1181Ser (NM_001330087.2, NM_001330096.2); c.3571A>T, p.Thr1191Ser (NM_001330088.2); c.547A>T, p.Thr183Ser (NM_001330091.2, NM_001330092.2, NM_001330097.2 and 1 more transcripts); and 3 more; short protein forms T1181S, T1191S, T1196S, T1201S, T1209S, T1210S, T1214S, T1217S.
Identifiers: ClinVar variation 1714259 (VCV001714259.5), dbSNP rs2468068860, ClinGen allele CA346819081.
Genomic context (GRCh38, chr2:50,091,389, plus strand): 5'-GGTAGCGCTCGATCACTGGCCAGCTGTCCACCTGCAACGTGGCATTGCCACCACTCCTCG[T>A]GAAACGAACTACATGGTATTTCCCATCATTAATGATTGCATTGGATTCTTCAATGGCGAT-3'
Protein context (NP_001317007.1, residues 1208-1228): NDGKYHVVRF[Thr1218Ser]RSGGNATLQV